The following is an entry in ClinVar:

ClinVar aggregate classification (germline): Uncertain significance (1 of 4 stars; one submission).

Conditions:
Inborn genetic diseases. Identifiers: MedGen C0950123, MeSH D030342.

Allele frequency attached by ClinVar (database versions not stated): TOPMed below 0.00001.

Submission:

Ambry Genetics
Classification: Uncertain significance for Inborn genetic diseases. Last evaluated: 2022-04-14. Review status: criteria provided, single submitter. Criteria: Ambry Variant Classification Scheme 2023. Collection method: clinical testing. Allele origin: germline.
Comment: The c.804+6T>G intronic variant results from a T to G substitution 6 nucleotides after coding exon 8 in the MTMR2 gene. This nucleotide position is highly conserved in available vertebrate species. In silico splice site analysis for this alteration is inconclusive. Since supporting evidence is limited at this time, the clinical significance of this alteration remains unclear.

NM_016156.6(MTMR2):c.804+6T>G

Gene: MTMR2 (myotubularin related protein 2; minus strand). Cytogenetic location: 11q21.
Variant type: single nucleotide variant.
Coding change: c.804+6T>G on transcript NM_016156.6 (MANE Select); 6 bases into the intron after coding-DNA position 804, T replaced by G.
Molecular consequence: intron variant.
Genome position (GRCh38, 1-based): chr11:95,850,594, A>C on the plus strand (T>G on the coding strand, the complement: MTMR2 is on the minus strand). VCF-style: chr11-95850594-A-C. GRCh37 (hg19) VCF-style: chr11-95583758-A-C.
Other names: c.588+6T>G (NM_201281.3, NM_201278.3, NM_001243571.2).
Identifiers: ClinVar variation 1761763 (VCV001761763.2), dbSNP rs1361773284, ClinGen allele CA1993058577.